The following is an entry in ClinVar:

ClinVar aggregate classification (germline): Uncertain significance (1 of 4 stars; one submission).

Conditions:
Mucopolysaccharidosis type 6 (MPS6). Also called: ARSB DEFICIENCY; ARYLSULFATASE B DEFICIENCY; N-ACETYLGALACTOSAMINE-4-SULFATASE DEFICIENCY; MPS 6; Maroteaux Lamy syndrome; MPS VI. Identifiers: Orphanet 583, MedGen C0026709, MONDO:0009661, OMIM 253200.

Allele frequency attached by ClinVar (database versions not stated): gnomAD exomes below 0.00001; ExAC 0.00001; gnomAD 0.00001.
gnomAD v4.1: 7 of 1,613,992 alleles (0.00043%); highest among the groups gnomAD compares: African/African-American, 0.0013%; no homozygotes.

Submission:

Labcorp Genetics (formerly Invitae), Labcorp
Classification: Uncertain significance for Mucopolysaccharidosis type 6. Last evaluated: 2021-09-24. Review status: criteria provided, single submitter. Criteria: Invitae Variant Classification Sherloc (09022015). Collection method: clinical testing. Allele origin: germline.
Comment: This sequence change replaces tyrosine with cysteine at codon 206 of the ARSB protein (p.Tyr206Cys). The tyrosine residue is moderately conserved and there is a large physicochemical difference between tyrosine and cysteine. This variant is present in population databases (rs775204710, ExAC 0.001%). This variant has not been reported in the literature in individuals affected with ARSB-related conditions. Advanced modeling of protein sequence and biophysical properties (such as structural, functional, and spatial information, amino acid conservation, physicochemical variation, residue mobility, and thermodynamic stability) performed at Invitae indicates that this missense variant is expected to disrupt ARSB protein function. In summary, the available evidence is currently insufficient to determine the role of this variant in disease. Therefore, it has been classified as a Variant of Uncertain Significance.

NM_000046.5(ARSB):c.617A>G (p.Tyr206Cys)

Gene: ARSB (arylsulfatase B; minus strand). Cytogenetic location: 5q14.1.
Variant type: single nucleotide variant.
Coding change: c.617A>G on transcript NM_000046.5 (MANE Select); coding-DNA position 617, A replaced by G.
Protein change: p.Tyr206Cys; replaces tyrosine 206 with cysteine.
Molecular consequence: missense variant.
Genome position (GRCh38, 1-based): chr5:78,964,489, T>C on the plus strand (A>G on the coding strand, the complement: ARSB is on the minus strand). VCF-style: chr5-78964489-T-C. GRCh37 (hg19) VCF-style: chr5-78260312-T-C.
Other names: c.617A>G, p.Tyr206Cys (NM_198709.3); short protein forms Y206C.
Identifiers: ClinVar variation 1449130 (VCV001449130.5), dbSNP rs775204710, ClinGen allele CA3318220.
Genomic context (GRCh38, chr5:78,964,489, plus strand): 5'-TGGTTAGTTATGAGGGCTATAGCCCTTTTGGTGAATATGTTTGTTGAATACATATTTTTA[T>C]ATCCTGTTGCAACTTCTTCGCCATCTCGAAAATCAAGAGCACATCGTGTGACATTCAGAG-3'
Protein context (NP_000037.2, residues 196-216): FRDGEEVATG[Tyr206Cys]KNMYSTNIFT